The following is an entry in ClinVar:

ClinVar aggregate classification (germline): Benign/Likely benign. Review status: criteria provided, multiple submitters, no conflicts (2 of 4 stars). 3 submissions from 3 submitters: Benign (2); Likely benign (1). Last evaluated 2025-10-01.

Conditions:
MGAT2-congenital disorder of glycosylation. Also called: MENTAL RETARDATION, GROWTH RETARDATION, PROMINENT COLUMELLA, AND OPEN MOUTH; Alkuraya syndrome; CDG IIa; MGAT2-CDG; Congenital disorder of glycosylation, type IIa. Identifiers: Orphanet 79329, MedGen C2931008, MONDO:0008908, OMIM 212066.

Allele frequency attached by ClinVar (database versions not stated): ESP Exome Variant Server 0.00015; gnomAD 0.00086 and 0.00113; gnomAD exomes 0.00096 and 0.00232; TOPMed 0.00117; ExAC 0.00220; 1000 Genomes Project 0.00479; 1000 Genomes Project 30x 0.00515.
gnomAD v4.1: 1,582 of 1,613,998 alleles (0.098%); highest among the groups gnomAD compares: East Asian, 2.1%; 15 homozygotes.

Submissions (3):

Labcorp Genetics (formerly Invitae), Labcorp
Classification: Benign for MGAT2-congenital disorder of glycosylation. Last evaluated: 2025-10-01. Review status: criteria provided, single submitter. Criteria: Invitae Variant Classification Sherloc (09022015). Collection method: clinical testing. Allele origin: germline.

GeneDx
Classification: Benign. Last evaluated: 2018-03-22. Review status: criteria provided, single submitter. Criteria: GeneDx Variant Classification (06012015). Collection method: clinical testing. Allele origin: germline. Affected: yes.
Comment: This variant is considered likely benign or benign based on one or more of the following criteria: it is a conservative change, it occurs at a poorly conserved position in the protein, it is predicted to be benign by multiple in silico algorithms, and/or has population frequency not consistent with disease.

Illumina Laboratory Services, Illumina
Classification: Likely benign for MGAT2-congenital disorder of glycosylation. Last evaluated: 2018-01-13. Review status: criteria provided, single submitter. Criteria: ICSL Variant Classification Criteria 13 December 2019. Collection method: clinical testing. Allele origin: germline.
Comment: This variant was observed in the ICSL laboratory as part of a predisposition screen in an ostensibly healthy population. It had not been previously curated by ICSL or reported in the Human Gene Mutation Database (HGMD: prior to June 1st, 2018), and was therefore a candidate for classification through an automated scoring system. Utilizing variant allele frequency, disease prevalence and penetrance estimates, and inheritance mode, an automated score was calculated to assess if this variant is too frequent to cause the disease. Based on the score and internal cut-off values, a variant classified as likely benign is not then subjected to further curation. The score for this variant resulted in a classification of likely benign for this disease.

NM_002408.4(MGAT2):c.768T>G (p.Leu256=)

Gene: MGAT2 (alpha-1,6-mannosyl-glycoprotein 2-beta-N-acetylglucosaminyltransferase; plus strand). Cytogenetic location: 14q21.3.
Variant type: single nucleotide variant.
Coding change: c.768T>G on transcript NM_002408.4 (MANE Select); coding-DNA position 768, T replaced by G.
Protein change: p.Leu256=; no amino-acid change (leucine 256 retained).
Molecular consequence: synonymous variant.
Genome position (GRCh38, 1-based): chr14:49,622,036, T>G. VCF-style: chr14-49622036-T-G. GRCh37 (hg19) VCF-style: chr14-50088754-T-G.
Identifiers: ClinVar variation 461189 (VCV000461189.17), dbSNP rs77872234, ClinGen allele CA7172600.